The following is an entry in ClinVar:

NM_016373.4(WWOX):c.189G>C (p.Trp63Cys)

Gene: WWOX (WW domain containing oxidoreductase; plus strand). Cytogenetic location: 16q23.1.
Variant type: single nucleotide variant.
Coding change: c.189G>C on transcript NM_016373.4 (MANE Select); coding-DNA position 189, G replaced by C.
Protein change: p.Trp63Cys; replaces tryptophan 63 with cysteine.
Molecular consequence: missense variant. On other transcripts: 5 prime UTR variant (1), non-coding transcript variant (1).
Genome position (GRCh38, 1-based): chr16:78,109,794, G>C. VCF-style: chr16-78109794-G-C. GRCh37 (hg19) VCF-style: chr16-78143691-G-C.
Other names: c.-151G>C (NM_001291997.2); c.189G>C, p.Trp63Cys (NM_130791.5); short protein forms W63C.
Identifiers: ClinVar variation 1316488 (VCV001316488.2), dbSNP rs1265607632, ClinGen allele CA396842167.

ClinVar aggregate classification (germline): Uncertain significance (1 of 4 stars; one submission).

gnomAD v4.1: 2 of 1,614,058 alleles (0.00012%); highest among the groups gnomAD compares: Non-Finnish European, 0.00017%; no homozygotes.

Submission:

GeneDx
Classification: Uncertain significance. Last evaluated: 2019-04-12. Review status: criteria provided, single submitter. Criteria: GeneDx Variant Classification Process June 2021. Collection method: clinical testing. Allele origin: germline. Affected: yes.
Comment: Not observed in large population cohorts (Lek et al., 2016); In silico analysis, which includes protein predictors and evolutionary conservation, supports a deleterious effect; Has not been previously published as pathogenic or benign to our knowledge